The following is an entry in ClinVar:

ClinVar aggregate classification (germline): Pathogenic/Likely pathogenic. Review status: criteria provided, multiple submitters, no conflicts (2 of 4 stars). 2 submissions from 2 submitters: Pathogenic (1); Likely pathogenic (1). Last evaluated 2025-03-17.

Conditions:
X-linked Alport syndrome (ATS1). Also called: NEPHROPATHY AND DEAFNESS, X-LINKED; COL4A5-Related Nephropathy. Identifiers: Orphanet 63, Orphanet 88917, MedGen C4746986, MONDO:0010520, OMIM 301050.
COL4A5-related disorders.

Submissions (2):

3billion
Classification: Pathogenic for X-linked Alport syndrome. Last evaluated: 2025-03-17. Review status: criteria provided, single submitter. Criteria: ACMG Guidelines, 2015. Collection method: clinical testing. Allele origin: germline. Affected: yes.
Comment: The variant is not observed in the gnomAD v4.1.0 dataset. Predicted Consequence/Location: Stop-gained (nonsense): predicted to result in a loss or disruption of normal protein function through nonsense-mediated decay (NMD) or protein truncation. Multiple pathogenic variants are reported downstream of the variant. In silico tools predict the variant to alter splicing and produce an abnormal transcript [SpliceAI: 0.20 (spliceogenicity >=0.2, non-spliceogenicity <0.1)]. The variant has been reported to be associated with COL4A5-related disorder (PMID: 20378821). Therefore, this variant is classified as Pathogenic according to the recommendation of ACMG/AMP guideline.

Blueprint Genetics
Classification: Likely pathogenic for COL4A5-related disorders. Last evaluated: 2021-02-09. Review status: criteria provided, single submitter. Criteria: ACMG Guidelines, 2015. Collection method: clinical testing. Allele origin: germline. Affected: yes. Observed: 1 variant allele.

Literature cited by the submitters: PubMed 20378821 (cited by 3billion).

NM_033380.3(COL4A5):c.4519C>T (p.Gln1507Ter)

Gene: COL4A5 (collagen type IV alpha 5 chain; plus strand). Cytogenetic location: Xq22.3.
Variant type: single nucleotide variant.
Coding change: c.4519C>T on transcript NM_033380.3 (MANE Select); coding-DNA position 4519, C replaced by T.
Protein change: p.Gln1507Ter; replaces glutamine 1507 with a stop codon.
Molecular consequence: nonsense.
Genome position (GRCh38, 1-based): chrX:108,687,685, C>T. VCF-style: chrX-108687685-C-T. GRCh37 (hg19) VCF-style: chrX-107930915-C-T.
Other names: c.4501C>T, p.Gln1501Ter (NM_000495.5); short protein forms Q1501*, Q1507*.
Identifiers: ClinVar variation 4292199 (VCV004292199.2), dbSNP rs281874741.